The following is an entry in ClinVar:

NM_001099274.3(TINF2):c.400G>A (p.Glu134Lys)

Gene: TINF2 (TERF1 interacting nuclear factor 2; minus strand). Cytogenetic location: 14q12.
Variant type: single nucleotide variant.
Coding change: c.400G>A on transcript NM_001099274.3 (MANE Select); coding-DNA position 400, G replaced by A.
Protein change: p.Glu134Lys; replaces glutamic acid 134 with lysine.
Molecular consequence: missense variant.
Genome position (GRCh38, 1-based): chr14:24,241,311, C>T on the plus strand (G>A on the coding strand, the complement: TINF2 is on the minus strand). VCF-style: chr14-24241311-C-T. GRCh37 (hg19) VCF-style: chr14-24710517-C-T.
Other names: c.295G>A, p.Glu99Lys (NM_001363668.2); c.400G>A, p.Glu134Lys (NM_012461.3); short protein forms E99K, E134K.
Identifiers: ClinVar variation 1431789 (VCV001431789.8), dbSNP rs1429817346, ClinGen allele CA389232263.
Genomic context (GRCh38, chr14:24,241,311, plus strand): 5'-ACTCAAAAAGCAGCTTTTCCATGGCAGCCAGAAAGGGTTCCCCATACTCTTGTTCAAGTT[C>T]CTACAGCAGGGGAGATTAGGTCAAAAGTGGGTTAGTGGCCAGGCACGGTGGCTCACGCCT-3'
Protein context (NP_001092744.1, residues 124-144): APVDLASKLQ[Glu134Lys]LEQEYGEPFL

ClinVar aggregate classification (germline): Uncertain significance (1 of 4 stars; one submission).

Conditions:
Dyskeratosis congenita. Identifiers: Orphanet 1775, MedGen C0265965, MONDO:0015780.

Allele frequency attached by ClinVar (database versions not stated): gnomAD exomes below 0.00001 and 0.00001.

Submission:

Labcorp Genetics (formerly Invitae), Labcorp
Classification: Uncertain significance for Dyskeratosis congenita. Last evaluated: 2021-02-15. Review status: criteria provided, single submitter. Criteria: Invitae Variant Classification Sherloc (09022015). Collection method: clinical testing. Allele origin: germline.
Comment: In summary, the available evidence is currently insufficient to determine the role of this variant in disease. Therefore, it has been classified as a Variant of Uncertain Significance. Algorithms developed to predict the effect of sequence changes on RNA splicing suggest that this variant may disrupt the consensus splice site, but this prediction has not been confirmed by published transcriptional studies. Algorithms developed to predict the effect of missense changes on protein structure and function (SIFT, PolyPhen-2, Align-GVGD) all suggest that this variant is likely to be disruptive, but these predictions have not been confirmed by published functional studies and their clinical significance is uncertain. This variant has not been reported in the literature in individuals with TINF2-related conditions. This variant is not present in population databases (ExAC no frequency). This sequence change replaces glutamic acid with lysine at codon 134 of the TINF2 protein (p.Glu134Lys). The glutamic acid residue is highly conserved and there is a small physicochemical difference between glutamic acid and lysine.